The following is an entry in ClinVar:

ClinVar aggregate classification (germline): Uncertain significance (1 of 4 stars; one submission).

Conditions:
Camptomelic dysplasia (CMPD). Also called: CMPD1/SRA1; Campomelic Dysplasia. Identifiers: Orphanet 140, MedGen C1861922, MONDO:0007251, OMIM 114290.

Submission:

MVZ Medizinische Genetik Mainz
Classification: Uncertain significance for Camptomelic dysplasia. Last evaluated: 2026-06-11. Review status: criteria provided, single submitter. Criteria: UK Practice Guidelines For Variant Classification V4 01 2020. Collection method: clinical testing. Allele origin: germline. Inheritance: Autosomal dominant inheritance. Affected: yes. Observed: 1 variant allele.
Comment: ACMG Criteria: PVS1_STR,PM2_SUP

NM_000346.4(SOX9):c.1336C>T (p.Gln446Ter)

Gene: SOX9 (SRY-box transcription factor 9; plus strand). Cytogenetic location: 17q24.3.
Variant type: single nucleotide variant.
Coding change: c.1336C>T on transcript NM_000346.4 (MANE Select); coding-DNA position 1336, C replaced by T.
Protein change: p.Gln446Ter; replaces glutamine 446 with a stop codon.
Molecular consequence: nonsense.
Genome position (GRCh38, 1-based): chr17:72,124,193, C>T. VCF-style: chr17-72124193-C-T. GRCh37 (hg19) VCF-style: chr17-70120334-C-T.
Other names: short protein forms Q446*.
Identifiers: ClinVar variation 4857258 (VCV004857258.1).